The following is an entry in ClinVar:

ClinVar aggregate classification (germline): Uncertain significance (1 of 4 stars; one submission).

Allele frequency attached by ClinVar (database versions not stated): TOPMed below 0.00001; gnomAD exomes 0.00001.
gnomAD v4.1: 5 of 1,546,154 alleles (0.00032%); highest among the groups gnomAD compares: Non-Finnish European, 0.00026%; no homozygotes.

Submission:

Labcorp Genetics (formerly Invitae), Labcorp
Classification: Uncertain significance. Last evaluated: 2023-07-19. Review status: criteria provided, single submitter. Criteria: Invitae Variant Classification Sherloc (09022015). Collection method: clinical testing. Allele origin: germline.
Comment: This sequence change replaces arginine, which is basic and polar, with glutamine, which is neutral and polar, at codon 44 of the AUTS2 protein (p.Arg44Gln). In summary, the available evidence is currently insufficient to determine the role of this variant in disease. Therefore, it has been classified as a Variant of Uncertain Significance. An algorithm developed to predict the effect of missense changes on protein structure and function (PolyPhen-2) suggests that this variant is likely to be tolerated. This variant has not been reported in the literature in individuals affected with AUTS2-related conditions. This variant is present in population databases (rs756779190, gnomAD 0.01%).

NM_015570.4(AUTS2):c.131G>A (p.Arg44Gln)

Genes: AUTS2 (activator of transcription and developmental regulator AUTS2; plus strand), LOC129998550 (ATAC-STARR-seq lymphoblastoid silent region 18224; plus strand). Cytogenetic location: 7q11.22.
Variant type: single nucleotide variant.
Coding change: c.131G>A on transcript NM_015570.4 (MANE Select); coding-DNA position 131, G replaced by A.
Protein change: p.Arg44Gln; replaces arginine 44 with glutamine.
Molecular consequence: missense variant.
Genome position (GRCh38, 1-based): chr7:69,599,784, G>A. VCF-style: chr7-69599784-G-A. GRCh37 (hg19) VCF-style: chr7-69064770-G-A.
Other names: c.131G>A, p.Arg44Gln (NM_001127231.3, NM_001127232.3); short protein forms R44Q.
Identifiers: ClinVar variation 2893543 (VCV002893543.3), dbSNP rs756779190, ClinGen allele CA4280237.
Genomic context (GRCh38, chr7:69,599,784, plus strand): 5'-GGCGCTCCCGGGGCGGGCTGGGGGCCGGCGCGGCCGGCGGCGGCGGGGCTGGCCGGACCC[G>A]GGCGCTCTCACTCGCCTCGTCGTCGGGCTCCGACAAGGAAGACAATGGGAAGCCCCCGTC-3'
Protein context (NP_056385.1, residues 34-54): AAGGGGAGRT[Arg44Gln]ALSLASSSGS